The following is an entry in ClinVar:

NM_000277.3(PAH):c.1252A>C (p.Thr418Pro)

Gene: PAH (phenylalanine hydroxylase; minus strand). Cytogenetic location: 12q23.2.
Variant type: single nucleotide variant.
Coding change: c.1252A>C on transcript NM_000277.3 (MANE Select); coding-DNA position 1252, A replaced by C.
Protein change: p.Thr418Pro; replaces threonine 418 with proline.
Molecular consequence: missense variant.
Genome position (GRCh38, 1-based): chr12:102,840,463, T>G on the plus strand (A>C on the coding strand, the complement: PAH is on the minus strand). VCF-style: chr12-102840463-T-G. GRCh37 (hg19) VCF-style: chr12-103234241-T-G.
Other names: c.1252A>C, p.Thr418Pro (NM_001354304.2); short protein forms T418P.
Identifiers: ClinVar variation 102580 (VCV000102580.8), dbSNP rs62644501, ClinGen allele CA229418.

ClinVar aggregate classification (germline): Pathogenic. Review status: reviewed by expert panel (3 of 4 stars). 5 submissions from 5 submitters: Pathogenic (1). 4 of the submissions do not count toward it. Last evaluated 2020-06-08.

Conditions:
Phenylketonuria (PKU). Also called: Phenylketonuria (PKU); FOLLING DISEASE; OLIGOPHRENIA PHENYLPYRUVICA; Phenylketonurias. Identifiers: Orphanet 716, MedGen C0031485, MONDO:0009861, OMIM 261600. Disease mechanism: loss of function.

gnomAD v4.1: 3 of 1,613,888 alleles (0.00019%); highest among the groups gnomAD compares: East Asian, 0.0022%; no homozygotes.

Submissions (5):

ClinGen PAH Variant Curation Expert Panel
Classification: Pathogenic for Phenylketonuria. Last evaluated: 2020-06-08. Review status: reviewed by expert panel. Criteria: ClinGen PAH ACMG Specifications v1. Collection method: curation. Allele origin: germline. Inheritance: Autosomal recessive inheritance.
Comment: The c.1252A>C (p.Thr418Pro) variant in PAH has been reported in multiple individuals with mild and classic PKU (BH4 deficiency excluded). (PMID: 26503515). This variant has an extremely low allele frequency (MAF=0.00003) in gnomAD. It was detected in trans with multiple pathogenic variants: p.Arg243Gln, p.Arg408Gln, p.Arg176*, EX6-96Aï¼žG, p.Tyr356*, p.Arg111* (PMID: 28982351). Computational prediction tools and conservation analysis support a deleterious effect. In summary, this variant meets criteria to be classified as pathogenic for PAH. PAH-specific ACMG/AMP criteria applied: PM3_very-strong, PM2, PP4_Moderate, PP3.

Baylor Genetics
Classification: Pathogenic for Phenylketonuria. Last evaluated: 2024-03-19. Review status: criteria provided, single submitter. Criteria: ACMG Guidelines, 2015. Collection method: clinical testing. Allele origin: unknown. Not counted in ClinVar's aggregate classification.

Labcorp Genetics (formerly Invitae), Labcorp
Classification: Pathogenic for Phenylketonuria. Last evaluated: 2024-01-22. Review status: criteria provided, single submitter. Criteria: Invitae Variant Classification Sherloc (09022015). Collection method: clinical testing. Allele origin: germline. Not counted in ClinVar's aggregate classification.
Comment: This sequence change replaces threonine, which is neutral and polar, with proline, which is neutral and non-polar, at codon 418 of the PAH protein (p.Thr418Pro). This variant is present in population databases (rs62644501, gnomAD 0.003%). This missense change has been observed in individual(s) with hyperphenylalaninemia (PMID: 1301187, 26322415, 29499199, 29731766, 30747360, 31355225). ClinVar contains an entry for this variant (Variation ID: 102580). Advanced modeling of protein sequence and biophysical properties (such as structural, functional, and spatial information, amino acid conservation, physicochemical variation, residue mobility, and thermodynamic stability) performed at Invitae indicates that this missense variant is expected to disrupt PAH protein function with a positive predictive value of 80%. For these reasons, this variant has been classified as Pathogenic.

Counsyl
Classification: Pathogenic for Phenylketonuria. Last evaluated: 2018-02-06. Review status: no assertion criteria provided. Collection method: clinical testing. Allele origin: unknown. Not counted in ClinVar's aggregate classification.

DeBelle Laboratory for Biochemical Genetics, MUHC/MCH RESEARCH INSTITUTE
No classification provided. Review status: no classification provided. Collection method: not provided. Allele origin: not provided. Not counted in ClinVar's aggregate classification.

Literature cited by the submitters: PubMed 16256386 (cited by ClinGen PAH Variant Curation Expert Panel and Counsyl); PubMed 26503515 (cited by ClinGen PAH Variant Curation Expert Panel and Counsyl); PubMed 1301187 (cited by Labcorp Genetics (formerly Invitae), Labcorp); PubMed 26322415 (cited by Labcorp Genetics (formerly Invitae), Labcorp); PubMed 29499199 (cited by Labcorp Genetics (formerly Invitae), Labcorp); PubMed 29731766 (cited by Labcorp Genetics (formerly Invitae), Labcorp); PubMed 30747360 (cited by Labcorp Genetics (formerly Invitae), Labcorp); PubMed 31355225 (cited by Labcorp Genetics (formerly Invitae), Labcorp); PubMed 8019568 (cited by Counsyl); PubMed 28982351 (cited by Counsyl).